The following is an entry in ClinVar:

ClinVar aggregate classification (germline): Pathogenic (1 of 4 stars; one submission).

Conditions:
Baller-Gerold syndrome (BGS). Also called: CRANIOSYNOSTOSIS WITH RADIAL DEFECTS. Identifiers: Orphanet 1225, MedGen C0265308, MONDO:0009039, OMIM 218600.

Submission:

Labcorp Genetics (formerly Invitae), Labcorp
Classification: Pathogenic for Baller-Gerold syndrome. Last evaluated: 2022-08-20. Review status: criteria provided, single submitter. Criteria: Invitae Variant Classification Sherloc (09022015). Collection method: clinical testing. Allele origin: germline.
Comment: For these reasons, this variant has been classified as Pathogenic. Algorithms developed to predict the effect of sequence changes on RNA splicing suggest that this variant may disrupt the consensus splice site. This variant has not been reported in the literature in individuals affected with RECQL4-related conditions. This variant is not present in population databases (gnomAD no frequency). This sequence change creates a premature translational stop signal (p.Gly822Argfs*60) in the RECQL4 gene. It is expected to result in an absent or disrupted protein product. Loss-of-function variants in RECQL4 are known to be pathogenic (PMID: 12734318, 12952869).

Literature cited by the submitters: PubMed 12734318; PubMed 12952869.

NM_004260.4(RECQL4):c.2464_2468del (p.Gly822fs)

Gene: RECQL4 (RecQ like helicase 4; minus strand). Cytogenetic location: 8q24.3.
Variant type: Deletion.
Coding change: c.2464_2468del on transcript NM_004260.4 (MANE Select); coding-DNA positions 2464 to 2468, 5 bases deleted (GGCGA; older notation c.2464_2468delGGCGA).
Protein change: p.Gly822fs; shifts the reading frame from glycine 822.
Molecular consequence: frameshift variant.
Genome position (GRCh38, 1-based): chr8:144,513,134-144,513,138, TCGCC deleted on the plus strand (GGCGA on the coding strand, the reverse complement: RECQL4 is on the minus strand). VCF-style (leftmost placement, unchanged base first): chr8-144513133-TTCGCC-T. GRCh37 (hg19) VCF-style: chr8-145738516-TTCGCC-T.
Other names: c.2170_2174delGGCGA, p.Gly724Argfs (NM_001413017.1); c.2266_2270delGGCGA, p.Gly756Argfs (NM_001413018.1); c.2464_2468delGGCGA, p.Gly822Argfs (NM_001413019.1, NM_001413036.1); c.2368_2372delGGCGA, p.Gly790Argfs (NM_001413020.1); c.1393_1397delGGCGA, p.Gly465Argfs (NM_001413021.1, NM_001413022.1, NM_001413023.1 and 5 more transcripts); c.2335_2339delGGCGA, p.Gly779Argfs (NM_001413025.1); c.1327_1331delGGCGA, p.Gly443Argfs (NM_001413027.1, NM_001413030.1, NM_001413032.1 and 1 more transcripts); c.2113_2117delGGCGA, p.Gly705Argfs (NM_001413029.1); and 6 more; short protein forms G822fs.
Identifiers: ClinVar variation 2183483 (VCV002183483.4), dbSNP rs2538004131, ClinGen allele CA2579283014.